The following is an entry in ClinVar:

NM_007373.4(SHOC2):c.32C>A (p.Ser11Tyr)

Gene: SHOC2 (SHOC2 leucine rich repeat scaffold protein; plus strand). Cytogenetic location: 10q25.2.
Variant type: single nucleotide variant.
Coding change: c.32C>A on transcript NM_007373.4 (MANE Select); coding-DNA position 32, C replaced by A.
Protein change: p.Ser11Tyr; replaces serine 11 with tyrosine.
Molecular consequence: missense variant.
Genome position (GRCh38, 1-based): chr10:110,964,390, C>A. VCF-style: chr10-110964390-C-A. GRCh37 (hg19) VCF-style: chr10-112724148-C-A.
Other names: c.32C>A, p.Ser11Tyr (NM_001269039.3, NM_001324336.2, NM_001324337.2); short protein forms S11Y.
Identifiers: ClinVar variation 496406 (VCV000496406.5), dbSNP rs1381863749, ClinGen allele CA378380452.

ClinVar aggregate classification (germline): Uncertain significance. Review status: criteria provided, multiple submitters, no conflicts (2 of 4 stars). 2 submissions from 2 submitters: Uncertain significance (2). Last evaluated 2017-04-27.

Conditions:
Noonan syndrome-like disorder with loose anagen hair 1 (NSLH1). Also called: TOSTI SYNDROME; MAZZANTI SYNDROME. Identifiers: Orphanet 2701, MedGen C4478716, MONDO:0054637, OMIM 607721.

gnomAD v4.1: 1 of 1,612,992 alleles (0.000062%); highest among the groups gnomAD compares: Non-Finnish European, 0.000085%; no homozygotes.

Submissions (2):

Illumina Laboratory Services, Illumina
Classification: Uncertain significance for Noonan syndrome-like disorder with loose anagen hair 1. Last evaluated: 2017-04-27. Review status: criteria provided, single submitter. Criteria: ICSL Variant Classification Criteria 13 December 2019. Collection method: clinical testing. Allele origin: germline.

Women's Health and Genetics/Laboratory Corporation of America, LabCorp
Classification: Uncertain significance. Last evaluated: 2017-03-20. Review status: criteria provided, single submitter. Criteria: LabCorp Variant Classification Summary - May 2015. Collection method: clinical testing. Allele origin: germline.
Comment: Variant summary: The SHOC2 c.32C>A (p.Ser11Tyr) variant involves the alteration of a non-conserved nucleotide. 3/5 in silico tools predict a benign outcome for this variant. This variant is absent in 116048 control chromosomes. The variant of interest has not, to our knowledge, been reported in affected individuals via publications and/or reputable databases/clinical diagnostic laboratories; nor evaluated for functional impact by in vivo/vitro studies. Because of the absence of clinical information and the lack of functional studies, the variant is classified as a variant of uncertain significance (VUS) until additional information becomes available.